The following is an entry in ClinVar:

ClinVar aggregate classification (germline): Uncertain significance (1 of 4 stars; one submission).

Conditions:
Inborn genetic diseases. Identifiers: MedGen C0950123, MeSH D030342.

Submission:

Ambry Genetics
Classification: Uncertain significance for Inborn genetic diseases. Last evaluated: 2025-10-09. Review status: criteria provided, single submitter. Criteria: Ambry Variant Classification Scheme 2023. Collection method: clinical testing. Allele origin: germline.
Comment: The p.T934A variant (also known as c.2800A>G), located in coding exon 14 of the FANCM gene, results from an A to G substitution at nucleotide position 2800. The threonine at codon 934 is replaced by alanine, an amino acid with similar properties. This amino acid position is conserved. In addition, this alteration is predicted to be tolerated by in silico analysis. Based on the available evidence, the clinical significance of this variant remains unclear.

NM_020937.4(FANCM):c.2800A>G (p.Thr934Ala)

Gene: FANCM (FA complementation group M; plus strand). Cytogenetic location: 14q21.2.
Variant type: single nucleotide variant.
Coding change: c.2800A>G on transcript NM_020937.4 (MANE Select); coding-DNA position 2800, A replaced by G.
Protein change: p.Thr934Ala; replaces threonine 934 with alanine.
Molecular consequence: missense variant.
Genome position (GRCh38, 1-based): chr14:45,175,554, A>G. VCF-style: chr14-45175554-A-G. GRCh37 (hg19) VCF-style: chr14-45644757-A-G.
Other names: c.2722A>G, p.Thr908Ala (NM_001308133.2); short protein forms T908A, T934A.
Identifiers: ClinVar variation 4619478 (VCV004619478.1).